The following is an entry in ClinVar:

NM_001370259.2(MEN1):c.824+1G>T

Gene: MEN1 (menin 1; minus strand). Cytogenetic location: 11q13.1.
Variant type: single nucleotide variant.
Coding change: c.824+1G>T on transcript NM_001370259.2 (MANE Select); the canonical splice donor site of the intron after coding-DNA position 824, G replaced by T.
Molecular consequence: splice donor variant.
Genome position (GRCh38, 1-based): chr11:64,807,178, C>A on the plus strand (G>T on the coding strand, the complement: MEN1 is on the minus strand). VCF-style: chr11-64807178-C-A. GRCh37 (hg19) VCF-style: chr11-64574650-C-A.
Other names: c.839+1G>T (NM_130804.3, NM_130803.3, NM_000244.4 and 5 more transcripts); c.719+1G>T (NM_001407148.1, NM_001407149.1, NM_001407151.1 and 2 more transcripts); c.824+1G>T (NM_130799.3, NM_001407144.1, NM_001370260.2 and 7 more transcripts).
Identifiers: ClinVar variation 403810 (VCV000403810.10), dbSNP rs1060499976, ClinGen allele CA16613409.

ClinVar aggregate classification (germline): Pathogenic/Likely pathogenic. Review status: criteria provided, multiple submitters, no conflicts (2 of 4 stars). 2 submissions from 2 submitters: Pathogenic (1); Likely pathogenic (1). Last evaluated 2024-12-31.

Conditions:
Multiple endocrine neoplasia, type 1 (MEN1). Also called: MEN I; WERMER SYNDROME; Endocrine adenomatosis multiple; MEN 1; MEA I. Identifiers: Orphanet 652, MedGen C0025267, MeSH D018761, MONDO:0007540, OMIM 131100.

Submissions (2):

Labcorp Genetics (formerly Invitae), Labcorp
Classification: Pathogenic for Multiple endocrine neoplasia, type 1. Last evaluated: 2024-12-31. Review status: criteria provided, single submitter. Criteria: Invitae Variant Classification Sherloc (09022015). Collection method: clinical testing. Allele origin: germline.
Comment: This sequence change affects a donor splice site in intron 5 of the MEN1 gene. It is expected to disrupt RNA splicing. Variants that disrupt the donor or acceptor splice site typically lead to a loss of protein function (PMID: 16199547), and loss-of-function variants in MEN1 are known to be pathogenic (PMID: 12112656, 17853334). This variant is not present in population databases (gnomAD no frequency). Disruption of this splice site has been observed in individuals with multiple endocrine neoplasia type 1 (PMID: 12652570, 15870131). It has also been observed to segregate with disease in related individuals. ClinVar contains an entry for this variant (Variation ID: 403810). Algorithms developed to predict the effect of sequence changes on RNA splicing suggest that this variant may disrupt the consensus splice site. For these reasons, this variant has been classified as Pathogenic.

Quest Diagnostics Nichols Institute San Juan Capistrano
Classification: Likely pathogenic. Last evaluated: 2024-12-17. Review status: criteria provided, single submitter. Criteria: Quest Diagnostics criteria. Collection method: clinical testing. Allele origin: unknown.
Comment: The MEN1 c.824+1G>T variant disrupts a canonical splice-donor site and is predicted to interfere with normal MEN1 mRNA splicing. This variant has not been reported in individuals with MEN1-related conditions in the published literature. This variant has not been reported in large, multi-ethnic general populations (Genome Aggregation Database). Based on the available information, this variant is classified as likely pathogenic.

Literature cited by the submitters: PubMed 16199547 (cited by Labcorp Genetics (formerly Invitae), Labcorp); PubMed 12112656 (cited by Labcorp Genetics (formerly Invitae), Labcorp); PubMed 17853334 (cited by Labcorp Genetics (formerly Invitae), Labcorp); PubMed 12652570 (cited by Labcorp Genetics (formerly Invitae), Labcorp); PubMed 15870131 (cited by Labcorp Genetics (formerly Invitae), Labcorp).